The following is an entry in ClinVar:

NM_001382637.1(OTUD7A):c.210C>G (p.His70Gln)

Gene: OTUD7A (OTU deubiquitinase 7A; minus strand). Cytogenetic location: 15q13.3.
Variant type: single nucleotide variant.
Coding change: c.210C>G on transcript NM_001382637.1 (MANE Select); coding-DNA position 210, C replaced by G.
Protein change: p.His70Gln; replaces histidine 70 with glutamine.
Molecular consequence: missense variant.
Genome position (GRCh38, 1-based): chr15:31,570,139, G>C on the plus strand (C>G on the coding strand, the complement: OTUD7A is on the minus strand). VCF-style: chr15-31570139-G-C. GRCh37 (hg19) VCF-style: chr15-31862342-G-C.
Other names: c.210C>G, p.His70Gln (NM_130901.3, NM_001329907.2); short protein forms H70Q.
Identifiers: ClinVar variation 4872249 (VCV004872249.2).

ClinVar aggregate classification (germline): Benign (1 of 4 stars; one submission).

gnomAD v4.1: 146 of 1,614,192 alleles (0.009%); highest among the groups gnomAD compares: Middle Eastern, 0.25%; no homozygotes.

Submission:

CeGaT Center for Human Genetics Tuebingen
Classification: Benign. Last evaluated: 2026-05-01. Review status: criteria provided, single submitter. Criteria: CeGaT Center For Human Genetics Tuebingen Variant Classification Criteria Version 2. Collection method: clinical testing. Allele origin: germline. Affected: yes. Observed: 1 variant allele.
Comment: OTUD7A: BS1, BS2